The following is an entry in ClinVar:

NM_213599.3(ANO5):c.2357T>A (p.Ile786Lys)

Gene: ANO5 (anoctamin 5; plus strand). Cytogenetic location: 11p14.3.
Variant type: single nucleotide variant.
Coding change: c.2357T>A on transcript NM_213599.3 (MANE Select); coding-DNA position 2357, T replaced by A.
Protein change: p.Ile786Lys; replaces isoleucine 786 with lysine.
Molecular consequence: missense variant.
Genome position (GRCh38, 1-based): chr11:22,274,690, T>A. VCF-style: chr11-22274690-T-A. GRCh37 (hg19) VCF-style: chr11-22296236-T-A.
Other names: c.2354T>A, p.Ile785Lys (NM_001142649.2); c.2315T>A, p.Ile772Lys (NM_001410963.1); c.2312T>A, p.Ile771Lys (NM_001410964.1); short protein forms I772K, I786K, I771K, I785K.
Identifiers: ClinVar variation 2090794 (VCV002090794.4), dbSNP rs2494387021, ClinGen allele CA379924329.
Genomic context (GRCh38, chr11:22,274,690, plus strand): 5'-CAACAAATGCCACACAGCCTATGACAGGATATGTGAATAATAGCCTGTCAGTATTCCTGA[T>A]AGCTGATTTTCCAAACCACACTGCACCTTCGGAAAAACGAGACTTCATCACTTGCAGGTG-3'
Protein context (NP_998764.1, residues 776-796): YVNNSLSVFL[Ile786Lys]ADFPNHTAPS

ClinVar aggregate classification (germline): Uncertain significance (1 of 4 stars; one submission).

Conditions:
Gnathodiaphyseal dysplasia (GDD). Also called: GNATHODIAPHYSEAL SCLEROSIS; OSTEOGENESIS IMPERFECTA WITH UNUSUAL SKELETAL LESIONS. Identifiers: Orphanet 53697, MedGen C1833736, MONDO:0008151, OMIM 166260.
Autosomal recessive limb-girdle muscular dystrophy type 2L (LGMDR12). Also called: Limb-girdle muscular dystrophy, type 2L; MUSCULAR DYSTROPHY, LIMB-GIRDLE, AUTOSOMAL RECESSIVE 12; Limb-Girdle Muscular Dystrophy R12 Anoctamin-5-Related (LGMD-R12). Identifiers: Orphanet 206549, MedGen C1969785, MONDO:0012652, OMIM 611307.

Submission:

Labcorp Genetics (formerly Invitae), Labcorp
Classification: Uncertain significance for Autosomal recessive limb-girdle muscular dystrophy type 2L; Gnathodiaphyseal dysplasia. Last evaluated: 2023-05-23. Review status: criteria provided, single submitter. Criteria: Invitae Variant Classification Sherloc (09022015). Collection method: clinical testing. Allele origin: germline.
Comment: In summary, the available evidence is currently insufficient to determine the role of this variant in disease. Therefore, it has been classified as a Variant of Uncertain Significance. This sequence change replaces isoleucine, which is neutral and non-polar, with lysine, which is basic and polar, at codon 786 of the ANO5 protein (p.Ile786Lys). This variant is not present in population databases (gnomAD no frequency). This variant has not been reported in the literature in individuals affected with ANO5-related conditions. ClinVar contains an entry for this variant (Variation ID: 2090794). Advanced modeling of protein sequence and biophysical properties (such as structural, functional, and spatial information, amino acid conservation, physicochemical variation, residue mobility, and thermodynamic stability) has been performed at Invitae for this missense variant, however the output from this modeling did not meet the statistical confidence thresholds required to predict the impact of this variant on ANO5 protein function.